The following is an entry in ClinVar:

NM_005733.3(KIF20A):c.1019A>G (p.Tyr340Cys)

Gene: KIF20A (kinesin family member 20A; plus strand). Cytogenetic location: 5q31.2.
Variant type: single nucleotide variant.
Coding change: c.1019A>G on transcript NM_005733.3 (MANE Select); coding-DNA position 1019, A replaced by G.
Protein change: p.Tyr340Cys; replaces tyrosine 340 with cysteine.
Molecular consequence: missense variant.
Genome position (GRCh38, 1-based): chr5:138,183,355, A>G. VCF-style: chr5-138183355-A-G. GRCh37 (hg19) VCF-style: chr5-137519044-A-G.
Other names: short protein forms Y340C.
Identifiers: ClinVar variation 2034999 (VCV002034999.4), dbSNP rs1251680387, ClinGen allele CA361114936.
Genomic context (GRCh38, chr5:138,183,355, plus strand): 5'-CTAGCCAACAGCGCAAGAGGCAGACTTTGCGGCTATGCGAGGATCAAAATGGCAATCCCT[A>G]TGTGAAAGGTAAAGGAACATGGGGAAAGCTGGCATGAACCCTGGAGGGCAACTGGGGAGA-3'
Protein context (NP_005724.1, residues 330-350): RLCEDQNGNP[Tyr340Cys]VKDLNWIHVQ

ClinVar aggregate classification (germline): Uncertain significance (1 of 4 stars; one submission).

Allele frequency attached by ClinVar (database versions not stated): gnomAD exomes below 0.00001.

Submission:

Labcorp Genetics (formerly Invitae), Labcorp
Classification: Uncertain significance. Last evaluated: 2022-10-10. Review status: criteria provided, single submitter. Criteria: Invitae Variant Classification Sherloc (09022015). Collection method: clinical testing. Allele origin: germline.
Comment: In summary, the available evidence is currently insufficient to determine the role of this variant in disease. Therefore, it has been classified as a Variant of Uncertain Significance. Algorithms developed to predict the effect of missense changes on protein structure and function (SIFT, PolyPhen-2, Align-GVGD) all suggest that this variant is likely to be disruptive. This variant has not been reported in the literature in individuals affected with KIF20A-related conditions. This variant is present in population databases (no rsID available, gnomAD 0.006%). This sequence change replaces tyrosine, which is neutral and polar, with cysteine, which is neutral and slightly polar, at codon 340 of the KIF20A protein (p.Tyr340Cys).